The following is an entry in ClinVar:

NM_006277.3(ITSN2):c.4686C>T (p.Ser1562=)

Gene: ITSN2 (intersectin 2; minus strand). Cytogenetic location: 2p23.3.
Variant type: single nucleotide variant.
Coding change: c.4686C>T on transcript NM_006277.3 (MANE Select); coding-DNA position 4686, C replaced by T.
Protein change: p.Ser1562=; no amino-acid change (serine 1562 retained).
Molecular consequence: synonymous variant.
Genome position (GRCh38, 1-based): chr2:24,205,290, G>A on the plus strand (C>T on the coding strand, the complement: ITSN2 is on the minus strand). VCF-style: chr2-24205290-G-A. GRCh37 (hg19) VCF-style: chr2-24428159-G-A.
Other names: c.4644C>T, p.Ser1548= (NM_001348181.2); c.4566C>T, p.Ser1522= (NM_001348182.2); c.4605C>T, p.Ser1535= (NM_019595.4).
Identifiers: ClinVar variation 3039224 (VCV003039224.2), dbSNP rs1181898919, ClinGen allele CA425158284.

ClinVar aggregate classification (germline): Likely benign (0 of 4 stars; one submission).

Conditions:
ITSN2-related disorder. Also called: ITSN2-related condition.

Allele frequency attached by ClinVar (database versions not stated): TOPMed below 0.00001; gnomAD exomes 0.00001.
gnomAD v4.1: 18 of 1,613,552 alleles (0.0011%); highest among the groups gnomAD compares: Middle Eastern, 0.017%; 1 homozygote.

Submission:

PreventionGenetics, part of Exact Sciences
Classification: Likely benign for ITSN2-related condition. Last evaluated: 2019-05-23. Review status: no assertion criteria provided. Collection method: clinical testing. Allele origin: germline.
Comment: This variant is classified as likely benign based on ACMG/AMP sequence variant interpretation guidelines (Richards et al. 2015 PMID: 25741868, with internal and published modifications).